The following is an entry in ClinVar:

ClinVar aggregate classification (germline): Uncertain significance (1 of 4 stars; one submission).

Conditions:
Hereditary cancer-predisposing syndrome. Also called: Neoplastic Syndromes, Hereditary; Tumor predisposition; Hereditary Cancer Syndrome; Hereditary neoplastic syndrome. Identifiers: Orphanet 140162, MedGen C0027672, MeSH D009386, MONDO:0015356.

Submission:

Ambry Genetics
Classification: Uncertain significance for Hereditary cancer-predisposing syndrome. Last evaluated: 2025-11-13. Review status: criteria provided, single submitter. Criteria: Ambry Variant Classification Scheme 2023. Collection method: clinical testing. Allele origin: germline.
Comment: The c.659G>C variant (also known as p.G220A), located in coding exon 8 of the BAP1 gene, results from a G to C substitution at nucleotide position 659. The amino acid change results in glycine to alanine at codon 220, an amino acid with similar properties. This alteration was non-functional in a high throughput genome editing haploid cell survival functional assay (Waters, AJ et al. Nat Genet 2024 Jul;56(7):1434-1445). This amino acid position is well conserved in available vertebrate species. In addition, the in silico prediction for this alteration is inconclusive. However, this change occurs in the last base pair of coding exon 8, which makes it likely to have some effect on normal mRNA splicing. This nucleotide position is highly conserved in available vertebrate species. In silico splice site analysis predicts that this alteration may result in the creation or strengthening of a novel splice donor site; however, direct evidence is insufficient at this time (Ambry internal data). Based on the available evidence, the clinical significance of this variant remains unclear.

Literature cited by the submitters: PubMed 38969833.

NM_004656.4(BAP1):c.659G>C (p.Gly220Ala)

Gene: BAP1 (BRCA1 associated deubiquitinase 1; minus strand). Cytogenetic location: 3p21.1.
Variant type: single nucleotide variant.
Coding change: c.659G>C on transcript NM_004656.4 (MANE Select); coding-DNA position 659, G replaced by C.
Protein change: p.Gly220Ala; replaces glycine 220 with alanine.
Molecular consequence: missense variant.
Genome position (GRCh38, 1-based): chr3:52,406,829, C>G on the plus strand (G>C on the coding strand, the complement: BAP1 is on the minus strand). VCF-style: chr3-52406829-C-G. GRCh37 (hg19) VCF-style: chr3-52440845-C-G.
Other names: c.659G>C, p.Gly220Ala (NM_001410772.1); short protein forms G220A.
Identifiers: ClinVar variation 4620645 (VCV004620645.1).